The following is an entry in ClinVar:

NM_000057.4(BLM):c.725C>T (p.Pro242Leu)

Gene: BLM (BLM RecQ like helicase; plus strand). Cytogenetic location: 15q26.1.
Variant type: single nucleotide variant.
Coding change: c.725C>T on transcript NM_000057.4 (MANE Select); coding-DNA position 725, C replaced by T.
Protein change: p.Pro242Leu; replaces proline 242 with leucine.
Molecular consequence: missense variant. On other transcripts: 5 prime UTR variant (1).
Genome position (GRCh38, 1-based): chr15:90,749,993, C>T. VCF-style: chr15-90749993-C-T. GRCh37 (hg19) VCF-style: chr15-91293223-C-T.
Other names: c.725C>T, p.Pro242Leu (NM_001287246.2, NM_001287247.2); c.-567C>T (NM_001287248.2); short protein forms P242L.
Identifiers: ClinVar variation 4773612 (VCV004773612.1).

ClinVar aggregate classification (germline): Uncertain significance (1 of 4 stars; one submission).

Conditions:
Bloom syndrome (BLM). Also called: Bloom-Torre-Machacek syndrome. Identifiers: Orphanet 125, MedGen C0005859, MONDO:0008876, OMIM 210900.

Submission:

Labcorp Genetics (formerly Invitae), Labcorp
Classification: Uncertain significance for Bloom syndrome. Last evaluated: 2025-11-05. Review status: criteria provided, single submitter. Criteria: Invitae Variant Classification Sherloc (09022015). Collection method: clinical testing. Allele origin: germline.
Comment: This sequence change replaces proline, which is neutral and non-polar, with leucine, which is neutral and non-polar, at codon 242 of the BLM protein (p.Pro242Leu). This variant is not present in population databases (gnomAD no frequency). This variant has not been reported in the literature in individuals affected with BLM-related conditions. An algorithm developed to predict the effect of missense changes on protein structure and function (PolyPhen-2) suggests that this variant is likely to be tolerated. In summary, the available evidence is currently insufficient to determine the role of this variant in disease. Therefore, it has been classified as a Variant of Uncertain Significance.